The following is an entry in ClinVar:

NM_138413.4(HOGA1):c.949_956dup (p.Met319fs)

Gene: HOGA1 (4-hydroxy-2-oxoglutarate aldolase 1; plus strand). Cytogenetic location: 10q24.2.
Variant type: Duplication.
Coding change: c.949_956dup on transcript NM_138413.4 (MANE Select); coding-DNA positions 949 to 956, 8 bases duplicated (CTGCGCAT; older notation c.949_956dupCTGCGCAT).
Protein change: p.Met319fs; shifts the reading frame from methionine 319.
Molecular consequence: frameshift variant.
Genome position (GRCh38, 1-based): chr10:97,611,624-97,611,631, CTGCGCAT duplicated. VCF-style (leftmost placement, unchanged base first): chr10-97611623-A-ACTGCGCAT. GRCh37 (hg19) VCF-style: chr10-99371380-A-ACTGCGCAT.
Other names: c.460_467dup, p.Met156fs (NM_001134670.2); short protein forms M156fs, M319fs.
Identifiers: ClinVar variation 4816531 (VCV004816531.2).

ClinVar aggregate classification (germline): Conflicting classifications of pathogenicity. Review status: criteria provided, conflicting classifications (1 of 4 stars). 2 submissions from 2 submitters: Likely pathogenic (1); Uncertain significance (1). Last evaluated 2026-06-04.

Conditions:
Primary hyperoxaluria type 3. Also called: PH III. Identifiers: Orphanet 416, Orphanet 93600, MedGen C3150878, MONDO:0013327, OMIM 613616. Disease mechanism: loss of function.

Submissions (2):

Myriad Genetics, Inc.
Classification: Uncertain significance for Primary hyperoxaluria type 3. Last evaluated: 2026-06-04. Review status: criteria provided, single submitter. Criteria: Myriad Autosomal Dominant, Autosomal Recessive and X-Linked Classification Criteria (2023). Collection method: clinical testing. Allele origin: unknown.
Comment: NM_138413.3(HOGA1):c.949_956dup8(M319Ifs*22) is a readthrough frameshift variant classified as a variant of uncertain significance in the context of primary hyperoxaluria type 3. M319Ifs*22 has not been observed in cases with relevant disease. Relevant functional assessments of this variant are not available in the literature. M319Ifs*22 has been observed in referenced population frequency databases. In summary, there is insufficient evidence to classify NM_138413.3(HOGA1):c.949_956dup8(M319Ifs*22) as pathogenic or benign. Please note: this variant was assessed in the context of healthy population screening.

Natera, Inc.
Classification: Likely pathogenic for Primary hyperoxaluria type III. Last evaluated: 2025-08-09. Review status: criteria provided, single submitter. Criteria: Natera Variant Classification Schema (03/2026). Collection method: clinical testing. Allele origin: germline.
Comment: The c.949_956dupCTGCGCAT variant in HOGA1 is a frameshift variant predicted to elongate the protein beyond the termination codon. This variant is expected to result in nonsense mediated decay, truncation, or a dysfunctional protein product. This variant is rare in the general population with a frequency below the threshold expected for the associated phenotype(s). Given the available evidence, this variant is classified as Likely Pathogenic.